The following is an entry in ClinVar:

NM_003628.6(PKP4):c.504C>A (p.Asn168Lys)

Gene: PKP4 (plakophilin 4; plus strand). Cytogenetic location: 2q24.1.
Variant type: single nucleotide variant.
Coding change: c.504C>A on transcript NM_003628.6 (MANE Select); coding-DNA position 504, C replaced by A.
Protein change: p.Asn168Lys; replaces asparagine 168 with lysine.
Molecular consequence: missense variant. On other transcripts: 5 prime UTR variant (1).
Genome position (GRCh38, 1-based): chr2:158,621,322, C>A. VCF-style: chr2-158621322-C-A. GRCh37 (hg19) VCF-style: chr2-159477834-C-A.
Other names: c.504C>A, p.Asn168Lys (NM_001005476.4, NM_001304969.3, NM_001304971.2 and 6 more transcripts); c.-446C>A (NM_001304970.3); c.498C>A, p.Asn166Lys (NM_001377222.1, NM_001377223.1, NM_001377224.1); short protein forms N168K, N166K.
Identifiers: ClinVar variation 4138151 (VCV004138151.1).

ClinVar aggregate classification (germline): Uncertain significance (1 of 4 stars; one submission).

Submission:

Ambry Genetics
Classification: Uncertain significance. Last evaluated: 2025-07-12. Review status: criteria provided, single submitter. Criteria: Ambry Variant Classification Scheme 2023. Collection method: clinical testing. Allele origin: germline.
Comment: The p.N168K variant (also known as c.504C>A), located in coding exon 5 of the PKP4 gene, results from a C to A substitution at nucleotide position 504. The asparagine at codon 168 is replaced by lysine, an amino acid with similar properties. This amino acid position is conserved. In addition, this alteration is predicted to be tolerated by in silico analysis. Based on the available evidence, the clinical significance of this variant remains unclear.